The following is an entry in ClinVar:

ClinVar aggregate classification (germline): Uncertain significance (1 of 4 stars; one submission).

Submission:

Women's Health and Genetics/Laboratory Corporation of America, LabCorp
Classification: Uncertain significance. Last evaluated: 2026-02-19. Review status: criteria provided, single submitter. Criteria: LabCorp Variant Classification Summary - May 2015. Collection method: clinical testing. Allele origin: germline.
Comment: Variant summary: POLG c.1432_1433delinsGT (p.Arg478Val) results in a non-conservative amino acid change in the encoded protein sequence. Algorithms developed to predict the effect of missense changes on protein structure and function are either unavailable or do not agree on the potential impact of this missense change. This variant affects the last two nucleotides of the exon 7, therefore might also affect splicing. Several computational tools predict a significant impact on normal splicing: four predict the variant abolishes the canonical 5' splicing donor site, while three predict the variant creates a (weaker) 5' donor site, two nucleotides upstream from the original site. However, these predictions have yet to be confirmed by functional studies. The variant was absent in 1607146 control chromosomes (gnomAD). The available data on variant occurrences in the general population are insufficient to allow any conclusion about variant significance. To our knowledge, no occurrence of c.1432_1433delinsGT in individuals affected with POLG-related conditions and no experimental evidence demonstrating its impact on protein function have been reported. No submitters have cited clinical-significance assessments for this variant to ClinVar. Based on the evidence outlined above, the variant was classified as uncertain significance.

NM_002693.3(POLG):c.1432_1433delinsGT (p.Arg478Val)

Gene: POLG (DNA polymerase gamma, catalytic subunit; minus strand). Cytogenetic location: 15q26.1.
Variant type: Indel.
Coding change: c.1432_1433delinsGT on transcript NM_002693.3 (MANE Select); coding-DNA positions 1432 to 1433, AG replaced by GT.
Protein change: p.Arg478Val; replaces arginine 478 with valine.
Molecular consequence: missense variant.
Genome position (GRCh38, 1-based): chr15:89,327,167-89,327,168, CT replaced by AC on the plus strand (AG replaced by GT on the coding strand, the reverse complement: POLG is on the minus strand). VCF-style: chr15-89327167-CT-AC. GRCh37 (hg19) VCF-style: chr15-89870398-CT-AC.
Other names: c.1432_1433delinsGT, p.Arg478Val (NM_001126131.2); short protein forms R478V.
Identifiers: ClinVar variation 4848210 (VCV004848210.1).